The following is an entry in ClinVar:

NM_003036.4(SKI):c.266C>G (p.Pro89Arg)

Gene: SKI (SKI proto-oncogene; plus strand). Cytogenetic location: 1p36.33.
Variant type: single nucleotide variant.
Coding change: c.266C>G on transcript NM_003036.4 (MANE Select); coding-DNA position 266, C replaced by G.
Protein change: p.Pro89Arg; replaces proline 89 with arginine.
Molecular consequence: missense variant.
Genome position (GRCh38, 1-based): chr1:2,229,032, C>G. VCF-style: chr1-2229032-C-G. GRCh37 (hg19) VCF-style: chr1-2160471-C-G.
Other names: short protein forms P89R.
Identifiers: ClinVar variation 1302257 (VCV001302257.2), dbSNP rs2100789913, ClinGen allele CA337952425.

ClinVar aggregate classification (germline): Uncertain significance (1 of 4 stars; one submission).

Submission:

GeneDx
Classification: Uncertain significance. Last evaluated: 2019-04-05. Review status: criteria provided, single submitter. Criteria: GeneDx Variant Classification Process June 2021. Collection method: clinical testing. Allele origin: germline. Affected: yes.
Comment: Not observed in large population cohorts (Lek et al., 2016); In silico analysis, which includes protein predictors and evolutionary conservation, supports a deleterious effect; Has not been previously published as pathogenic or benign to our knowledge